The following is an entry in ClinVar:

ClinVar aggregate classification (germline): Uncertain significance (1 of 4 stars; one submission).

Submission:

Labcorp Genetics (formerly Invitae), Labcorp
Classification: Uncertain significance. Last evaluated: 2025-08-08. Review status: criteria provided, single submitter. Criteria: Invitae Variant Classification Sherloc (09022015). Collection method: clinical testing. Allele origin: germline.
Comment: This sequence change creates a premature translational stop signal (p.His1584Thrfs*30) in the TET2 gene. While this is not anticipated to result in nonsense mediated decay, it is expected to disrupt the last 419 amino acid(s) of the TET2 protein. This variant is not present in population databases (gnomAD no frequency). This variant has not been reported in the literature in individuals affected with TET2-related conditions. In summary, the available evidence is currently insufficient to determine the role of this variant in disease. Therefore, it has been classified as a Variant of Uncertain Significance.

NM_001127208.3(TET2):c.4749dup (p.His1584fs)

Genes: TET2 (tet methylcytosine dioxygenase 2; plus strand), TET2-AS1 (TET2 antisense RNA 1; minus strand). Cytogenetic location: 4q24.
Variant type: Duplication.
Coding change: c.4749dup on transcript NM_001127208.3 (MANE Select); coding-DNA position 4749, one base duplicated (A; older notation c.4749dupA).
Protein change: p.His1584fs; shifts the reading frame from histidine 1584.
Molecular consequence: frameshift variant.
Genome position (GRCh38, 1-based): chr4:105,275,259, A duplicated. VCF-style (leftmost placement, unchanged base first): chr4-105275258-C-CA. GRCh37 (hg19) VCF-style: chr4-106196415-C-CA.
Other names: short protein forms H1584fs.
Identifiers: ClinVar variation 4724492 (VCV004724492.1).